The following is an entry in ClinVar:

ClinVar aggregate classification (germline): Uncertain significance (1 of 4 stars; one submission).

Allele frequency attached by ClinVar (database versions not stated): gnomAD 0.00001.
gnomAD v4.1: 4 of 1,614,034 alleles (0.00025%); highest among the groups gnomAD compares: Non-Finnish European, 0.00034%; no homozygotes.

Submission:

Labcorp Genetics (formerly Invitae), Labcorp
Classification: Uncertain significance. Last evaluated: 2025-07-22. Review status: criteria provided, single submitter. Criteria: Invitae Variant Classification Sherloc (09022015). Collection method: clinical testing. Allele origin: germline.
Comment: This sequence change replaces asparagine, which is neutral and polar, with lysine, which is basic and polar, at codon 198 of the ANKZF1 protein (p.Asn198Lys). This variant is present in population databases (no rsID available, gnomAD 0.007%). This variant has not been reported in the literature in individuals affected with ANKZF1-related conditions. ClinVar contains an entry for this variant (Variation ID: 2732722). An algorithm developed to predict the effect of missense changes on protein structure and function (PolyPhen-2) suggests that this variant is likely to be tolerated. In summary, the available evidence is currently insufficient to determine the role of this variant in disease. Therefore, it has been classified as a Variant of Uncertain Significance.

NM_018089.3(ANKZF1):c.594C>A (p.Asn198Lys)

Gene: ANKZF1 (ankyrin repeat and zinc finger peptidyl tRNA hydrolase 1; plus strand). Cytogenetic location: 2q35.
Variant type: single nucleotide variant.
Coding change: c.594C>A on transcript NM_018089.3 (MANE Select); coding-DNA position 594, C replaced by A.
Protein change: p.Asn198Lys; replaces asparagine 198 with lysine.
Molecular consequence: missense variant. On other transcripts: 5 prime UTR variant (1).
Genome position (GRCh38, 1-based): chr2:219,233,114, C>A. VCF-style: chr2-219233114-C-A. GRCh37 (hg19) VCF-style: chr2-220097836-C-A.
Other names: c.-37C>A (NM_001282792.2); c.594C>A, p.Asn198Lys (NM_001042410.2); short protein forms N198K.
Identifiers: ClinVar variation 2732722 (VCV002732722.3), dbSNP rs749857095, ClinGen allele CA350674406.